The following is an entry in ClinVar:

ClinVar aggregate classification (germline): Uncertain significance (1 of 4 stars; one submission).

Submission:

GeneDx
Classification: Uncertain significance. Last evaluated: 2020-06-18. Review status: criteria provided, single submitter. Criteria: GeneDx Variant Classification Process June 2021. Collection method: clinical testing. Allele origin: germline. Affected: yes.
Comment: Not observed in large population cohorts (Lek et al., 2016); In silico analysis supports that this missense variant does not alter protein structure/function; Has not been previously published as pathogenic or benign to our knowledge

NM_181672.3(OGT):c.3040A>G (p.Met1014Val)

Gene: OGT (O-linked N-acetylglucosamine (GlcNAc) transferase; plus strand). Cytogenetic location: Xq13.1.
Variant type: single nucleotide variant.
Coding change: c.3040A>G on transcript NM_181672.3 (MANE Select); coding-DNA position 3040, A replaced by G.
Protein change: p.Met1014Val; replaces methionine 1014 with valine.
Molecular consequence: missense variant.
Genome position (GRCh38, 1-based): chrX:71,573,693, A>G. VCF-style: chrX-71573693-A-G. GRCh37 (hg19) VCF-style: chrX-70793543-A-G.
Other names: c.3010A>G, p.Met1004Val (NM_181673.3); short protein forms M1004V, M1014V.
Identifiers: ClinVar variation 1303741 (VCV001303741.2), dbSNP rs2147699058, ClinGen allele CA413527140.